The following is an entry in ClinVar:

ClinVar aggregate classification (germline): Uncertain significance (1 of 4 stars; one submission).

Conditions:
CPE-related disorder. Also called: CPE-related condition.

gnomAD v4.1: 1 of 1,614,112 alleles (0.000062%); highest among the groups gnomAD compares: Middle Eastern, 0.016%; no homozygotes.

Submission:

PreventionGenetics, part of Exact Sciences
Classification: Uncertain significance for CPE-related condition. Last evaluated: 2026-07-31. Review status: criteria provided, single submitter. Criteria: ACMG Guidelines, 2015. Collection method: clinical testing. Allele origin: germline.
Comment: The CPE c.1181C>T variant is predicted to result in the amino acid substitution p.Ser394Phe. To our knowledge, this variant has not been reported in the literature or in a large population database (gnomAD), indicating this variant is rare. At this time, the clinical significance of this variant is uncertain due to the absence of conclusive functional and genetic evidence.

NM_001873.4(CPE):c.1181C>T (p.Ser394Phe)

Gene: CPE (carboxypeptidase E; plus strand). Cytogenetic location: 4q32.3.
Variant type: single nucleotide variant.
Coding change: c.1181C>T on transcript NM_001873.4 (MANE Select); coding-DNA position 1181, C replaced by T.
Protein change: p.Ser394Phe; replaces serine 394 with phenylalanine.
Molecular consequence: missense variant.
Genome position (GRCh38, 1-based): chr4:165,493,238, C>T. VCF-style: chr4-165493238-C-T. GRCh37 (hg19) VCF-style: chr4-166414390-C-T.
Other names: short protein forms S394F.
Identifiers: ClinVar variation 4987980 (VCV004987980.1).
Genomic context (GRCh38, chr4:165,493,238, plus strand): 5'-GAGGAGTTAAAGGATTTGTCCGAGACCTTCAAGGTAACCCAATTGCGAATGCCACCATCT[C>T]CGTGGAAGGAATAGACCACGATGTTACATCCGGTGGGTCTTTGCCACAATTGGAGGCTCT-3'
Protein context (NP_001864.1, residues 384-404): QGNPIANATI[Ser394Phe]VEGIDHDVTS